The following is an entry in ClinVar:

ClinVar aggregate classification (germline): Uncertain significance. Review status: criteria provided, multiple submitters, no conflicts (2 of 4 stars). 2 submissions from 2 submitters: Uncertain significance (2). Last evaluated 2025-06-19.

Conditions:
Inborn genetic diseases. Identifiers: MedGen C0950123, MeSH D030342.

Allele frequency attached by ClinVar (database versions not stated): gnomAD exomes 0.00003; TOPMed 0.00003; gnomAD 0.00001 and 0.00002; ExAC 0.00005.
gnomAD v4.1: 42 of 1,550,350 alleles (0.0027%); highest among the groups gnomAD compares: South Asian, 0.018%; no homozygotes.

Submissions (2):

Ambry Genetics
Classification: Uncertain significance for Inborn genetic diseases. Last evaluated: 2025-06-19. Review status: criteria provided, single submitter. Criteria: Ambry Variant Classification Scheme 2023. Collection method: clinical testing. Allele origin: germline.

Labcorp Genetics (formerly Invitae), Labcorp
Classification: Uncertain significance. Last evaluated: 2021-03-07. Review status: criteria provided, single submitter. Criteria: Invitae Variant Classification Sherloc (09022015). Collection method: clinical testing. Allele origin: germline.
Comment: This sequence change replaces valine with methionine at codon 240 of the LRTOMT protein (p.Val240Met). The valine residue is highly conserved and there is a small physicochemical difference between valine and methionine. This variant is present in population databases (rs779971909, ExAC 0.01%). This variant has not been reported in the literature in individuals with LRTOMT-related conditions. Algorithms developed to predict the effect of missense changes on protein structure and function are either unavailable or do not agree on the potential impact of this missense change (SIFT: "Deleterious"; PolyPhen-2: "Probably Damaging"; Align-GVGD: "Class C0"). In summary, the available evidence is currently insufficient to determine the role of this variant in disease. Therefore, it has been classified as a Variant of Uncertain Significance.

NM_001145308.5(LRTOMT):c.718G>A (p.Val240Met)

Genes: ANAPC15 (anaphase promoting complex subunit 15; minus strand), LRTOMT (leucine rich transmembrane and O-methyltransferase domain containing; plus strand), TOMT (transmembrane O-methyltransferase; plus strand). Cytogenetic location: 11q13.4.
Variant type: single nucleotide variant.
Coding change: c.718G>A on transcript NM_001145308.5; coding-DNA position 718, G replaced by A.
Protein change: p.Val240Met; replaces valine 240 with methionine.
Molecular consequence: missense variant. On other transcripts: 3 prime UTR variant (3), non-coding transcript variant (1), intron variant (7).
Genome position (GRCh38, 1-based): chr11:72,108,767, G>A. VCF-style: chr11-72108767-G-A. GRCh37 (hg19) VCF-style: chr11-71819813-G-A.
Other names: c.619G>A, p.Val207Met (NM_001393500.2); c.718G>A, p.Val240Met (NM_001145309.4); c.598G>A, p.Val200Met (NM_001145310.4); c.*52C>T (NM_001393443.1, NM_001393444.1, NM_001393445.1); c.64-1162C>T (NM_001393459.1); c.319-1162C>T (NM_001393430.1, NM_001393429.1, NM_001393428.1 and 3 more transcripts); short protein forms V207M, V240M, V200M.
Identifiers: ClinVar variation 1394941 (VCV001394941.9), dbSNP rs779971909, ClinGen allele CA6168639.